The following is an entry in ClinVar:

NM_000384.3(APOB):c.3724T>A (p.Ser1242Thr)

Gene: APOB (apolipoprotein B; minus strand). Cytogenetic location: 2p24.1.
Variant type: single nucleotide variant.
Coding change: c.3724T>A on transcript NM_000384.3 (MANE Select); coding-DNA position 3724, T replaced by A.
Protein change: p.Ser1242Thr; replaces serine 1242 with threonine.
Molecular consequence: missense variant.
Genome position (GRCh38, 1-based): chr2:21,014,566, A>T on the plus strand (T>A on the coding strand, the complement: APOB is on the minus strand). VCF-style: chr2-21014566-A-T. GRCh37 (hg19) VCF-style: chr2-21237438-A-T.
Other names: short protein forms S1242T.
Identifiers: ClinVar variation 218445 (VCV000218445.39), dbSNP rs200261177, ClinGen allele CA059491.
Genomic context (GRCh38, chr2:21,014,566, plus strand): 5'-TGAACTCCTTCAGGCTATTGAGGTGGTCTTGCAAAGTCTGGGTATAAGGAAGACTCCCAG[A>T]TGCCTTCTGAAGCCATGAGCTCATTGCCTACAAAATGACAGGAGATTTTTAAGGTAATGG-3'
Protein context (NP_000375.3, residues 1232-1252): VAMSSWLQKA[Ser1242Thr]GSLPYTQTLQ

ClinVar aggregate classification (germline): Conflicting classifications of pathogenicity. Review status: criteria provided, conflicting classifications (1 of 4 stars). 11 submissions from 10 submitters: Uncertain significance (6); Benign (1); Likely benign (2). 2 of the submissions do not count toward it. Last evaluated 2026-07-10.

Conditions:
Familial hypercholesterolemia. Also called: Familial hypercholesterolemias; Familial hypercholesterolaemia. Identifiers: MedGen C0020445, MONDO:0005439.
Familial hypobetalipoproteinemia 1. Also called: Hypobetalipoproteinemia, normotriglyceridemic; Acanthocytosis with hypobetalipoproteinemia; APOB-Related Familial Hypobetalipoproteinemia. Identifiers: MedGen C4551990, MONDO:0014252, OMIM 615558.
Cardiovascular phenotype. Identifiers: MedGen CN230736.
Hypercholesterolemia, autosomal dominant, type B (FHCL2). Also called: APOLIPOPROTEIN B-100, FAMILIAL DEFECTIVE; APOLIPOPROTEIN B-100, FAMILIAL LIGAND-DEFECTIVE; HYPERCHOLESTEROLEMIA, FAMILIAL, DUE TO LIGAND-DEFECTIVE APOLIPOPROTEIN B; Familial Hypercholesterolemia Type B; Hyperlipoproteinemia Type IIb; Familial hypercholesterolemia 2. Identifiers: MedGen C1704417, MONDO:0007751, OMIM 144010.
Hypercholesterolemia, familial, 1. Also called: LDL RECEPTOR DISORDER; Hyperlipoproteinemia Type IIa; HYPER-LOW-DENSITY-LIPOPROTEINEMIA; HYPERCHOLESTEROLEMIC XANTHOMATOSIS, FAMILIAL; Fredrickson type IIa hyperlipoproteinemia; Hyperlipoproteinemia type 2. Identifiers: Orphanet 391665, MedGen C0745103, MONDO:0007750, OMIM 143890.

Allele frequency attached by ClinVar (database versions not stated): ESP Exome Variant Server 0.00008; ExAC 0.00036; TOPMed 0.00017; gnomAD 0.00019 and 0.00020.

Submissions (11):

Cambridge Genomics Laboratory, East Genomic Laboratory Hub, NHS Genomic Medicine Service
Classification: Uncertain significance for Familial hypercholesterolaemia. Last evaluated: 2026-07-10. Review status: criteria provided, single submitter. Criteria: ACGS Best Practice Guidelines for Variant Classification in Rare Disease 2020. Collection method: clinical testing. Allele origin: germline. Affected: yes.

Labcorp Genetics (formerly Invitae), Labcorp
Classification: Likely benign for Familial hypobetalipoproteinemia 1; Hypercholesterolemia, autosomal dominant, type B. Last evaluated: 2026-01-07. Review status: criteria provided, single submitter. Criteria: Invitae Variant Classification Sherloc (09022015). Collection method: clinical testing. Allele origin: germline.

Quest Diagnostics Nichols Institute San Juan Capistrano
Classification: Likely benign. Last evaluated: 2025-02-21. Review status: criteria provided, single submitter. Criteria: Quest Diagnostics criteria. Collection method: clinical testing. Allele origin: unknown.

Ambry Genetics
Classification: Benign for Cardiovascular phenotype. Last evaluated: 2024-07-21. Review status: criteria provided, single submitter. Criteria: Ambry Variant Classification Scheme 2023. Collection method: clinical testing. Allele origin: germline.

GeneDx
Classification: Uncertain significance. Last evaluated: 2024-06-16. Review status: criteria provided, single submitter. Criteria: GeneDx Variant Classification Process June 2021. Collection method: clinical testing. Allele origin: germline.
Comment: In silico analysis indicates that this missense variant does not alter protein structure/function; Has not been previously published as pathogenic or benign to our knowledge

Fulgent Genetics
Classification: Uncertain significance for Hypercholesterolemia, autosomal dominant, type B; Familial hypobetalipoproteinemia 1. Last evaluated: 2021-07-06. Review status: criteria provided, single submitter. Criteria: ACMG Guidelines, 2015. Collection method: clinical testing. Allele origin: unknown.

Illumina Laboratory Services, Illumina
Classification: Uncertain significance for Hypercholesterolemia, autosomal dominant, type B. Last evaluated: 2018-01-13. Review status: criteria provided, single submitter. Criteria: ICSL Variant Classification Criteria 13 December 2019. Collection method: clinical testing. Allele origin: germline.

Illumina Laboratory Services, Illumina
Classification: Uncertain significance for Familial hypobetalipoproteinemia 1. Last evaluated: 2018-01-13. Review status: criteria provided, single submitter. Criteria: ICSL Variant Classification Criteria 13 December 2019. Collection method: clinical testing. Allele origin: germline.

Genomic Diagnostic Laboratory, Division of Genomic Diagnostics, Children's Hospital of Philadelphia
Classification: Uncertain significance for Familial hypercholesterolemia. Last evaluated: 2015-05-11. Review status: criteria provided, single submitter. Criteria: DGD Variant Analysis Guidelines. Collection method: clinical testing. Allele origin: unknown.

Clinical Genetics, Academic Medical Center
Classification: Likely benign. Review status: no assertion criteria provided. Collection method: clinical testing. Allele origin: germline. Affected: yes. Study: VKGL Data-share Consensus. Not counted in ClinVar's aggregate classification.

Diagnostic Laboratory, Department of Genetics, University Medical Center Groningen
Classification: Likely benign. Review status: no assertion criteria provided. Collection method: clinical testing. Allele origin: germline. Affected: yes. Study: VKGL Data-share Consensus. Not counted in ClinVar's aggregate classification.

Literature cited by the submitters: PubMed 30795984 (cited by Quest Diagnostics Nichols Institute San Juan Capistrano and Ambry Genetics); PubMed 29590070 (cited by Quest Diagnostics Nichols Institute San Juan Capistrano); PubMed 22923420 (cited by Ambry Genetics).